The following is an entry in ClinVar:

NM_001081550.2(THOC2):c.4106T>C (p.Ile1369Thr)

Gene: THOC2 (THO complex subunit 2; minus strand). Cytogenetic location: Xq25.
Variant type: single nucleotide variant.
Coding change: c.4106T>C on transcript NM_001081550.2 (MANE Select); coding-DNA position 4106, T replaced by C.
Protein change: p.Ile1369Thr; replaces isoleucine 1369 with threonine.
Molecular consequence: missense variant.
Genome position (GRCh38, 1-based): chrX:123,621,267, A>G on the plus strand (T>C on the coding strand, the complement: THOC2 is on the minus strand). VCF-style: chrX-123621267-A-G. GRCh37 (hg19) VCF-style: chrX-122755118-A-G.
Other names: short protein forms I1369T.
Identifiers: ClinVar variation 3365169 (VCV003365169.1).

ClinVar aggregate classification (germline): Uncertain significance (1 of 4 stars; one submission).

gnomAD v4.1: 1 of 1,210,677 alleles (0.000083%); highest among the groups gnomAD compares: Non-Finnish European, 0.00011%; no homozygotes.

Submission:

GeneDx
Classification: Uncertain significance. Last evaluated: 2023-11-30. Review status: criteria provided, single submitter. Criteria: GeneDx Variant Classification Process June 2021. Collection method: clinical testing. Allele origin: germline. Affected: yes.
Comment: Not observed at significant frequency in large population cohorts (gnomAD); In silico analysis supports that this missense variant does not alter protein structure/function; Has not been previously published as pathogenic or benign to our knowledge